The following is an entry in ClinVar:

NC_000003.11:g.(?_179119001)_(179143988_?)dup

Gene: GNB4 (G protein subunit beta 4; minus strand). Cytogenetic location: 3q26.33.
Variant type: Duplication.
Identifiers: ClinVar variation 2426679 (VCV002426679.3).

ClinVar aggregate classification (germline): Uncertain significance (1 of 4 stars; one submission).

Conditions:
Charcot-Marie-Tooth disease dominant intermediate F. Identifiers: Orphanet 352670, MedGen C4749463, MONDO:0014074, OMIM 615185.

Submission:

Labcorp Genetics (formerly Invitae), Labcorp
Classification: Uncertain significance for Charcot-Marie-Tooth disease dominant intermediate F. Last evaluated: 2022-10-24. Review status: criteria provided, single submitter. Criteria: Invitae Variant Classification Sherloc (09022015). Collection method: clinical testing. Allele origin: germline.
Comment: A copy number gain of the genomic region encompassing the full coding sequence of the GNB4 gene has been identified. The boundaries of this event are unknown as they extend beyond the assayed region for this gene and therefore may encompass additional genes. As the precise location of this event is unknown, it may be in tandem or it may be located elsewhere in the genome. This variant has not been reported in the literature in individuals affected with GNB4-related conditions. In summary, the available evidence is currently insufficient to determine the role of this variant in disease. Therefore, it has been classified as a Variant of Uncertain Significance.